The following is an entry in ClinVar:

NM_004304.5(ALK):c.1829A>G (p.Gln610Arg)

Gene: ALK (ALK receptor tyrosine kinase; minus strand). Cytogenetic location: 2p23.2.
Variant type: single nucleotide variant.
Coding change: c.1829A>G on transcript NM_004304.5 (MANE Select); coding-DNA position 1829, A replaced by G.
Protein change: p.Gln610Arg; replaces glutamine 610 with arginine.
Molecular consequence: missense variant.
Genome position (GRCh38, 1-based): chr2:29,275,485, T>C on the plus strand (A>G on the coding strand, the complement: ALK is on the minus strand). VCF-style: chr2-29275485-T-C. GRCh37 (hg19) VCF-style: chr2-29498351-T-C.
Other names: short protein forms Q610R.
Identifiers: ClinVar variation 1780898 (VCV001780898.8), dbSNP rs2148215487, ClinGen allele CA346480033.

ClinVar aggregate classification (germline): Conflicting classifications of pathogenicity. Review status: criteria provided, conflicting classifications (1 of 4 stars). 2 submissions from 2 submitters: Uncertain significance (1); Likely benign (1). Last evaluated 2025-09-12.

Conditions:
Hereditary cancer-predisposing syndrome. Also called: Tumor predisposition; Neoplastic Syndromes, Hereditary; Hereditary Cancer Syndrome; Hereditary neoplastic syndrome. Identifiers: Orphanet 140162, MedGen C0027672, MeSH D009386, MONDO:0015356.
Neuroblastoma, susceptibility to, 3. Also called: ALK-Related Neuroblastic Tumor Susceptibility. Identifiers: Orphanet 635, MedGen C2751681, MONDO:0013083, OMIM 613014.

Submissions (2):

Ambry Genetics
Classification: Likely benign for Hereditary cancer-predisposing syndrome. Last evaluated: 2025-09-12. Review status: criteria provided, single submitter. Criteria: Ambry Variant Classification Scheme 2023. Collection method: clinical testing. Allele origin: germline.

Labcorp Genetics (formerly Invitae), Labcorp
Classification: Uncertain significance for Neuroblastoma, susceptibility to, 3. Last evaluated: 2022-05-03. Review status: criteria provided, single submitter. Criteria: Invitae Variant Classification Sherloc (09022015). Collection method: clinical testing. Allele origin: germline.
Comment: This variant has not been reported in the literature in individuals affected with ALK-related conditions. In summary, the available evidence is currently insufficient to determine the role of this variant in disease. Therefore, it has been classified as a Variant of Uncertain Significance. Algorithms developed to predict the effect of missense changes on protein structure and function output the following: SIFT: "Tolerated"; PolyPhen-2: "Benign"; Align-GVGD: "Class C0". The arginine amino acid residue is found in multiple mammalian species, which suggests that this missense change does not adversely affect protein function. This variant is not present in population databases (gnomAD no frequency). This sequence change replaces glutamine, which is neutral and polar, with arginine, which is basic and polar, at codon 610 of the ALK protein (p.Gln610Arg).